The following is an entry in ClinVar:

NM_006231.4(POLE):c.68A>G (p.Asp23Gly)

Gene: POLE (DNA polymerase epsilon, catalytic subunit; minus strand). Cytogenetic location: 12q24.33.
Variant type: single nucleotide variant.
Coding change: c.68A>G on transcript NM_006231.4 (MANE Select); coding-DNA position 68, A replaced by G.
Protein change: p.Asp23Gly; replaces aspartic acid 23 with glycine.
Molecular consequence: missense variant.
Genome position (GRCh38, 1-based): chr12:132,681,274, T>C on the plus strand (A>G on the coding strand, the complement: POLE is on the minus strand). VCF-style: chr12-132681274-T-C. GRCh37 (hg19) VCF-style: chr12-133257860-T-C.
Other names: short protein forms D23G.
Identifiers: ClinVar variation 473820 (VCV000473820.20), dbSNP rs765898876, ClinGen allele CA6894455.
Genomic context (GRCh38, chr12:132,681,274, plus strand): 5'-TTATCCGTCCACTGACTCCGTTCCAGGCGCTTGAGTGCCGAAACTGAGGAAGTGGCGCCA[T>C]CATCCCTGAGTGAAAGAAGGGAACCCCGTGCTTAATTTGTAATGCCACCTGCTGCTGCTT-3'
Protein context (NP_006222.2, residues 13-33): PGADGEASRD[Asp23Gly]GATSSVSALK

ClinVar aggregate classification (germline): Uncertain significance. Review status: criteria provided, multiple submitters, no conflicts (2 of 4 stars). 6 submissions from 6 submitters: Uncertain significance (6). Last evaluated 2025-09-22.

Conditions:
POLE-related disorder. Also called: POLE-related condition; POLE-related disorders.
Colorectal cancer, susceptibility to, 12 (CRCS12). Also called: COLORECTAL CANCER, SUSCEPTIBILITY TO, ON CHROMOSOME 12q24. Identifiers: Orphanet 220460, MedGen C3554460, MONDO:0014038, OMIM 615083.
Facial dysmorphism-immunodeficiency-livedo-short stature syndrome. Also called: Facial dysmorphism, immunodeficiency, livedo, and short stature; FILS syndrome. Identifiers: Orphanet 352712, MedGen C3554576, MONDO:0014058, OMIM 615139.
Hereditary cancer-predisposing syndrome. Also called: Neoplastic Syndromes, Hereditary; Hereditary Cancer Syndrome; Tumor predisposition; Hereditary neoplastic syndrome. Identifiers: Orphanet 140162, MedGen C0027672, MeSH D009386, MONDO:0015356.

Allele frequency attached by ClinVar (database versions not stated): ExAC 0.00001; gnomAD 0.00001; gnomAD exomes 0.00001; TOPMed 0.00002.
gnomAD v4.1: 19 of 1,614,042 alleles (0.0012%); highest among the groups gnomAD compares: Admixed American, 0.013%; no homozygotes.

Submissions (6):

Labcorp Genetics (formerly Invitae), Labcorp
Classification: Uncertain significance. Last evaluated: 2025-09-22. Review status: criteria provided, single submitter. Criteria: Invitae Variant Classification Sherloc (09022015). Collection method: clinical testing. Allele origin: germline.
Comment: This sequence change replaces aspartic acid, which is acidic and polar, with glycine, which is neutral and non-polar, at codon 23 of the POLE protein (p.Asp23Gly). This variant is present in population databases (rs765898876, gnomAD 0.006%). This variant has not been reported in the literature in individuals affected with POLE-related conditions. ClinVar contains an entry for this variant (Variation ID: 473820). An algorithm developed to predict the effect of missense changes on protein structure and function (PolyPhen-2) suggests that this variant is likely to be tolerated. In summary, the available evidence is currently insufficient to determine the role of this variant in disease. Therefore, it has been classified as a Variant of Uncertain Significance.

Ambry Genetics
Classification: Uncertain significance for Hereditary cancer-predisposing syndrome. Last evaluated: 2025-08-07. Review status: criteria provided, single submitter. Criteria: Ambry Variant Classification Scheme 2023. Collection method: clinical testing. Allele origin: germline.
Comment: The p.D23G variant (also known as c.68A>G), located in coding exon 2 of the POLE gene, results from an A to G substitution at nucleotide position 68. The aspartic acid at codon 23 is replaced by glycine, an amino acid with similar properties. This amino acid position is conserved. In addition, the in silico prediction for this alteration is inconclusive. Since supporting evidence is limited at this time, the clinical significance of this alteration remains unclear.

PreventionGenetics, part of Exact Sciences
Classification: Uncertain significance for POLE-related condition. Last evaluated: 2024-11-11. Review status: criteria provided, single submitter. Criteria: ACMG Guidelines, 2015. Collection method: clinical testing. Allele origin: germline.
Comment: The POLE c.68A>G variant is predicted to result in the amino acid substitution p.Asp23Gly. To our knowledge, this variant has not been reported in the literature. This variant is reported in 0.0065% of alleles in individuals of South Asian descent in gnomAD and is interpreted as uncertain in ClinVar. At this time, the clinical significance of this variant is uncertain due to the absence of conclusive functional and genetic evidence.

GeneDx
Classification: Uncertain significance. Last evaluated: 2024-07-19. Review status: criteria provided, single submitter. Criteria: GeneDx Variant Classification Process June 2021. Collection method: clinical testing. Allele origin: germline. Affected: yes.
Comment: Not observed at significant frequency in large population cohorts (gnomAD); In silico analysis indicates that this missense variant does not alter protein structure/function; Has not been previously published as pathogenic or benign to our knowledge; This variant is associated with the following publications: (PMID: 29056344)

Sema4
Classification: Uncertain significance for Hereditary cancer-predisposing syndrome. Last evaluated: 2021-05-20. Review status: criteria provided, single submitter. Criteria: Sema4 Curation Guidelines. Collection method: curation. Allele origin: germline.
Comment: The POLE c.68A>G (p.D23G) variant has not been reported in the literature to our knowledge. It was observed in 2/30606 chromosomes of the South Asian subpopulation in the large and broad cohorts of the Genome Aggregation Database (PMID: 32461654). The variant has been reported in ClinVar (Variation ID: 473820). In silico tools suggest the impact of the variant on protein function is inconclusive, though these predictions have not been confirmed by functional studies. The evidence is insufficient to meet ACMG/AMP criteria for classifying the variant as benign or pathogenic. Thus, the clinical significance of this variant is currently uncertain.

Fulgent Genetics
Classification: Uncertain significance for Colorectal cancer, susceptibility to, 12; Facial dysmorphism-immunodeficiency-livedo-short stature syndrome. Last evaluated: 2018-10-31. Review status: criteria provided, single submitter. Criteria: ACMG Guidelines, 2015. Collection method: clinical testing. Allele origin: unknown.